The following is an entry in ClinVar:

NM_000260.4(MYO7A):c.1144G>T (p.Val382Leu)

Gene: MYO7A (myosin VIIA; plus strand). Cytogenetic location: 11q13.5.
Variant type: single nucleotide variant.
Coding change: c.1144G>T on transcript NM_000260.4 (MANE Select); coding-DNA position 1144, G replaced by T.
Protein change: p.Val382Leu; replaces valine 382 with leucine.
Molecular consequence: missense variant.
Genome position (GRCh38, 1-based): chr11:77,160,226, G>T. VCF-style: chr11-77160226-G-T. GRCh37 (hg19) VCF-style: chr11-76871272-G-T.
Other names: c.1144G>T, p.Val382Leu (NM_001127180.2); c.1111G>T, p.Val371Leu (NM_001369365.1); short protein forms V371L, V382L.
Identifiers: ClinVar variation 1065063 (VCV001065063.3), dbSNP rs782440130, ClinGen allele CA381934468.
Genomic context (GRCh38, chr11:77,160,226, plus strand): 5'-AACCCCCCAGACCTGATGAGCTGCCTGACTAGCCGCACCCTCATCACCCGCGGGGAGACG[G>T]TGTCCACCCCACTGAGCAGGGAACAGGCACTGGACGTGCGCGACGCCTTCGTAAAGGTGG-3'
Protein context (NP_000251.3, residues 372-392): SRTLITRGET[Val382Leu]STPLSREQAL

ClinVar aggregate classification (germline): Uncertain significance (1 of 4 stars; one submission).

Conditions:
Hearing impairment. Also called: Impaired Hearing. Identifiers: MedGen C1384666, MONDO:0005365, HP:0000365.

Allele frequency attached by ClinVar (database versions not stated): TOPMed below 0.00001; gnomAD 0.00001.
gnomAD v4.1: 2 of 1,581,542 alleles (0.00013%); highest among the groups gnomAD compares: Non-Finnish European, 0.00017%; no homozygotes.

Submission:

Department of Otolaryngology – Head & Neck Surgery, Cochlear Implant Center
Classification: Uncertain significance for Hearing impairment. Last evaluated: 2021-04-12. Review status: criteria provided, single submitter. Criteria: ClinGen HL ACMG Specifications v1. Collection method: clinical testing. Allele origin: germline. Affected: yes.
Comment: PM2_Moderate, PP3_Supporting